The following is an entry in ClinVar:

ClinVar aggregate classification (germline): Uncertain significance (1 of 4 stars; one submission).

Conditions:
Hereditary cancer-predisposing syndrome. Also called: Tumor predisposition; Hereditary neoplastic syndrome; Hereditary Cancer Syndrome; Neoplastic Syndromes, Hereditary. Identifiers: Orphanet 140162, MedGen C0027672, MeSH D009386, MONDO:0015356.

Submission:

Ambry Genetics
Classification: Uncertain significance for Hereditary cancer-predisposing syndrome. Last evaluated: 2025-05-18. Review status: criteria provided, single submitter. Criteria: Ambry Variant Classification Scheme 2023. Collection method: clinical testing. Allele origin: germline.
Comment: The c.571+5G>T intronic variant results from a G to T substitution 5 nucleotides after coding exon 3 in the RAD51C gene. This nucleotide position is highly conserved in available vertebrate species. In silico splice site analysis predicts that this alteration will weaken the native splice donor site; however, direct evidence is insufficient at this time (Ambry internal data). Based on the available evidence, the clinical significance of this variant remains unclear.

NM_058216.3(RAD51C):c.571+5G>T

Gene: RAD51C (RAD51 paralog C; plus strand). Cytogenetic location: 17q22.
Variant type: single nucleotide variant.
Coding change: c.571+5G>T on transcript NM_058216.3 (MANE Select); 5 bases into the intron after coding-DNA position 571, G replaced by T.
Molecular consequence: intron variant.
Genome position (GRCh38, 1-based): chr17:58,696,864, G>T. VCF-style: chr17-58696864-G-T. GRCh37 (hg19) VCF-style: chr17-56774225-G-T.
Identifiers: ClinVar variation 3942366 (VCV003942366.1).